The following is an entry in ClinVar:

NM_014714.4(IFT140):c.1682G>T (p.Ser561Ile)

Gene: IFT140 (intraflagellar transport 140; minus strand). Cytogenetic location: 16p13.3.
Variant type: single nucleotide variant.
Coding change: c.1682G>T on transcript NM_014714.4 (MANE Select); coding-DNA position 1682, G replaced by T.
Protein change: p.Ser561Ile; replaces serine 561 with isoleucine.
Molecular consequence: missense variant.
Genome position (GRCh38, 1-based): chr16:1,568,305, C>A on the plus strand (G>T on the coding strand, the complement: IFT140 is on the minus strand). VCF-style: chr16-1568305-C-A. GRCh37 (hg19) VCF-style: chr16-1618306-C-A.
Other names: short protein forms S561I.
Identifiers: ClinVar variation 1713525 (VCV001713525.5), dbSNP rs8050974, ClinGen allele CA394207535.
Genomic context (GRCh38, chr16:1,568,305, plus strand): 5'-CCGCTGCTGCTGCACCGCAGAGAAGCGATGCCCCCCACCCCAGGGACCAGCTCCGCCAGG[C>A]TCCTGCAGCTACAGTGTGCTTTGGCCTCTCTGCAGGGAGGAAGAGGGACCTCAGTGCCCG-3'
Protein context (NP_055529.2, residues 551-571): REAKAHCSCR[Ser561Ile]LAELVPGVGG

ClinVar aggregate classification (germline): Uncertain significance (1 of 4 stars; one submission).

Conditions:
Saldino-Mainzer syndrome (SRTD9). Also called: CONORENAL SYNDROME; short-rib thoracic dysplasia 9 with or without polydactyly; Renal dysplasia, retinal pigmentary dystrophy, cerebellar ataxia and skeletal dysplasia; SHORT-RIB THORACIC DYSPLASIA 9 WITHOUT POLYDACTYLY. Identifiers: Orphanet 140969, MedGen C1849437, MONDO:0009964, OMIM 266920.

gnomAD v4.1: 1 of 1,613,818 alleles (0.000062%); highest among the groups gnomAD compares: Admixed American, 0.0017%; no homozygotes.

Submission:

Labcorp Genetics (formerly Invitae), Labcorp
Classification: Uncertain significance for Saldino-Mainzer syndrome. Last evaluated: 2023-08-04. Review status: criteria provided, single submitter. Criteria: Invitae Variant Classification Sherloc (09022015). Collection method: clinical testing. Allele origin: germline.
Comment: This sequence change replaces serine, which is neutral and polar, with isoleucine, which is neutral and non-polar, at codon 561 of the IFT140 protein (p.Ser561Ile). This variant is not present in population databases (gnomAD no frequency). This variant has not been reported in the literature in individuals affected with IFT140-related conditions. ClinVar contains an entry for this variant (Variation ID: 1713525). Advanced modeling of protein sequence and biophysical properties (such as structural, functional, and spatial information, amino acid conservation, physicochemical variation, residue mobility, and thermodynamic stability) performed at Invitae indicates that this missense variant is not expected to disrupt IFT140 protein function. In summary, the available evidence is currently insufficient to determine the role of this variant in disease. Therefore, it has been classified as a Variant of Uncertain Significance.